The following is an entry in ClinVar:

NM_001367624.2(ZNF469):c.9273G>C (p.Arg3091Ser)

Gene: ZNF469 (zinc finger protein 469; plus strand). Cytogenetic location: 16q24.2.
Variant type: single nucleotide variant.
Coding change: c.9273G>C on transcript NM_001367624.2 (MANE Select); coding-DNA position 9273, G replaced by C.
Protein change: p.Arg3091Ser; replaces arginine 3091 with serine.
Molecular consequence: missense variant.
Genome position (GRCh38, 1-based): chr16:88,436,743, G>C. VCF-style: chr16-88436743-G-C. GRCh37 (hg19) VCF-style: chr16-88503151-G-C.
Other names: NM_001127464.1:c.9189G>C; short protein forms R3091S.
Identifiers: ClinVar variation 3476183 (VCV003476183.1).

ClinVar aggregate classification (germline): Uncertain significance (1 of 4 stars; one submission).

Conditions:
Cardiovascular phenotype. Identifiers: MedGen CN230736.

Submission:

Ambry Genetics
Classification: Uncertain significance for Cardiovascular phenotype. Last evaluated: 2024-08-12. Review status: criteria provided, single submitter. Criteria: Ambry Variant Classification Scheme 2023. Collection method: clinical testing. Allele origin: germline.
Comment: The p.R3063S variant (also known as c.9189G>C), located in coding exon 2 of the ZNF469 gene, results from a G to C substitution at nucleotide position 9189. The arginine at codon 3063 is replaced by serine, an amino acid with dissimilar properties. This amino acid position is conserved. In addition, this alteration is predicted to be tolerated by in silico analysis. Based on the available evidence, the clinical significance of this variant remains unclear.